The following is an entry in ClinVar:

NM_031924.8(RSPH3):c.1039G>T (p.Gly347Cys)

Gene: RSPH3 (radial spoke head 3; minus strand). Cytogenetic location: 6q25.3.
Variant type: single nucleotide variant.
Coding change: c.1039G>T on transcript NM_031924.8 (MANE Select); coding-DNA position 1039, G replaced by T.
Protein change: p.Gly347Cys; replaces glycine 347 with cysteine.
Molecular consequence: missense variant. On other transcripts: non-coding transcript variant (1).
Genome position (GRCh38, 1-based): chr6:158,977,756, C>A on the plus strand (G>T on the coding strand, the complement: RSPH3 is on the minus strand). VCF-style: chr6-158977756-C-A. GRCh37 (hg19) VCF-style: chr6-159398788-C-A.
Other names: c.1177G>T, p.Gly393Cys (NM_001346418.1); short protein forms G393C, G347C.
Identifiers: ClinVar variation 836755 (VCV000836755.9), dbSNP rs147001164, ClinGen allele CA4075728.

ClinVar aggregate classification (germline): Uncertain significance. Review status: criteria provided, multiple submitters, no conflicts (2 of 4 stars). 2 submissions from 2 submitters: Uncertain significance (2). Last evaluated 2021-09-16.

Conditions:
Inborn genetic diseases. Identifiers: MedGen C0950123, MeSH D030342.
Primary ciliary dyskinesia 32. Also called: CILIARY DYSKINESIA, PRIMARY, 32, WITHOUT SITUS INVERSUS. Identifiers: Orphanet 244, MedGen C4225311, MONDO:0014657, OMIM 616481.

Allele frequency attached by ClinVar (database versions not stated): 1000 Genomes Project 0.00020; ESP Exome Variant Server 0.00023; TOPMed 0.00023; 1000 Genomes Project 30x 0.00031.
gnomAD v4.1: 38 of 1,614,182 alleles (0.0024%); highest among the groups gnomAD compares: African/African-American, 0.047%; no homozygotes.

Submissions (2):

Ambry Genetics
Classification: Uncertain significance for Inborn genetic diseases. Last evaluated: 2021-09-16. Review status: criteria provided, single submitter. Criteria: Ambry Variant Classification Scheme 2023. Collection method: clinical testing. Allele origin: germline.

Labcorp Genetics (formerly Invitae), Labcorp
Classification: Uncertain significance for Primary ciliary dyskinesia 32. Last evaluated: 2019-04-28. Review status: criteria provided, single submitter. Criteria: Invitae Variant Classification Sherloc (09022015). Collection method: clinical testing. Allele origin: germline.
Comment: This variant is present in population databases (rs147001164, ExAC 0.09%). This sequence change replaces glycine with cysteine at codon 489 of the RSPH3 protein (p.Gly489Cys). The glycine residue is moderately conserved and there is a large physicochemical difference between glycine and cysteine. This variant has not been reported in the literature in individuals with RSPH3-related conditions. In summary, the available evidence is currently insufficient to determine the role of this variant in disease. Therefore, it has been classified as a Variant of Uncertain Significance. Algorithms developed to predict the effect of missense changes on protein structure and function are either unavailable or do not agree on the potential impact of this missense change (SIFT: "Deleterious"; PolyPhen-2: "Possibly Damaging"; Align-GVGD: "Class C0").